The following is an entry in ClinVar:

ClinVar aggregate classification (germline): Uncertain significance (1 of 4 stars; one submission).

Conditions:
Rubinstein-Taybi syndrome due to EP300 haploinsufficiency. Also called: RUBINSTEIN-TAYBI SYNDROME 2; EP300-Related Rubinstein-Taybi Syndrome. Identifiers: Orphanet 353284, Orphanet 783, MedGen C3150941, MONDO:0013364, OMIM 613684.

gnomAD v4.1: 10 of 1,614,092 alleles (0.00062%); highest among the groups gnomAD compares: Non-Finnish European, 0.00085%; no homozygotes.

Submission:

Labcorp Genetics (formerly Invitae), Labcorp
Classification: Uncertain significance for Rubinstein-Taybi syndrome due to EP300 haploinsufficiency. Last evaluated: 2024-10-10. Review status: criteria provided, single submitter. Criteria: Invitae Variant Classification Sherloc (09022015). Collection method: clinical testing. Allele origin: germline.
Comment: This sequence change replaces lysine, which is basic and polar, with arginine, which is basic and polar, at codon 981 of the EP300 protein (p.Lys981Arg). This variant is present in population databases (rs759543952, gnomAD 0.003%). This variant has not been reported in the literature in individuals affected with EP300-related conditions. Invitae Evidence Modeling of protein sequence and biophysical properties (such as structural, functional, and spatial information, amino acid conservation, physicochemical variation, residue mobility, and thermodynamic stability) indicates that this missense variant is not expected to disrupt EP300 protein function with a negative predictive value of 80%. In summary, the available evidence is currently insufficient to determine the role of this variant in disease. Therefore, it has been classified as a Variant of Uncertain Significance.

NM_001429.4(EP300):c.2942A>G (p.Lys981Arg)

Genes: EP300 (EP300 lysine acetyltransferase; plus strand), LOC126863158 (BRD4-independent group 4 enhancer GRCh37_chr22:41547383-41548582; plus strand). Cytogenetic location: 22q13.2.
Variant type: single nucleotide variant.
Coding change: c.2942A>G on transcript NM_001429.4 (MANE Select); coding-DNA position 2942, A replaced by G.
Protein change: p.Lys981Arg; replaces lysine 981 with arginine.
Molecular consequence: missense variant.
Genome position (GRCh38, 1-based): chr22:41,151,957, A>G. VCF-style: chr22-41151957-A-G. GRCh37 (hg19) VCF-style: chr22-41547961-A-G.
Other names: c.2864A>G, p.Lys955Arg (NM_001362843.2); short protein forms K955R, K981R.
Identifiers: ClinVar variation 3708785 (VCV003708785.2).